The following is an entry in ClinVar:

NM_000393.5(COL5A2):c.1120C>G (p.Pro374Ala)

Gene: COL5A2 (collagen type V alpha 2 chain; minus strand). Cytogenetic location: 2q32.2.
Variant type: single nucleotide variant.
Coding change: c.1120C>G on transcript NM_000393.5 (MANE Select); coding-DNA position 1120, C replaced by G.
Protein change: p.Pro374Ala; replaces proline 374 with alanine.
Molecular consequence: missense variant.
Genome position (GRCh38, 1-based): chr2:189,072,078, G>C on the plus strand (C>G on the coding strand, the complement: COL5A2 is on the minus strand). VCF-style: chr2-189072078-G-C. GRCh37 (hg19) VCF-style: chr2-189936804-G-C.
Other names: short protein forms P374A.
Identifiers: ClinVar variation 4808971 (VCV004808971.1).
Genomic context (GRCh38, chr2:189,072,078, plus strand): 5'-TATATTAACATTAACATCTTACCTTCATTCCAGGATTTCCTGGAAAACCAGAAGAGCCTG[G>C]TATCCCAAGAGGACCCTATTAAAAGAAACCAGAAAAGTAATCAGACATGTATTCAATTAG-3'
Protein context (NP_000384.2, residues 364-384): KPGPMGPLGI[Pro374Ala]GSSGFPGNPG

ClinVar aggregate classification (germline): Uncertain significance (1 of 4 stars; one submission).

Conditions:
Ehlers-Danlos syndrome, classic type, 1 (EDSCL1). Also called: Ehlers-Danlos Syndrome, Classic Type, COL5A1-Related; EDS I; EHLERS-DANLOS SYNDROME, GRAVIS TYPE; EHLERS-DANLOS SYNDROME, SEVERE CLASSIC TYPE; Ehlers-Danlos syndrome, type 1. Identifiers: MedGen C0268335, MONDO:0019567, OMIM 130000.

Submission:

Labcorp Genetics (formerly Invitae), Labcorp
Classification: Uncertain significance for Ehlers-Danlos syndrome, classic type, 1. Last evaluated: 2025-04-17. Review status: criteria provided, single submitter. Criteria: Invitae Variant Classification Sherloc (09022015). Collection method: clinical testing. Allele origin: germline.
Comment: This sequence change replaces proline, which is neutral and non-polar, with alanine, which is neutral and non-polar, at codon 374 of the COL5A2 protein (p.Pro374Ala). This variant is not present in population databases (gnomAD no frequency). This variant has not been reported in the literature in individuals affected with COL5A2-related conditions. Invitae Evidence Modeling of protein sequence and biophysical properties (such as structural, functional, and spatial information, amino acid conservation, physicochemical variation, residue mobility, and thermodynamic stability) indicates that this missense variant is not expected to disrupt COL5A2 protein function with a negative predictive value of 95%. In summary, the available evidence is currently insufficient to determine the role of this variant in disease. Therefore, it has been classified as a Variant of Uncertain Significance.